The following is an entry in ClinVar:

ClinVar aggregate classification (germline): Uncertain significance (1 of 4 stars; one submission).

Conditions:
Hereditary cancer-predisposing syndrome. Also called: Neoplastic Syndromes, Hereditary; Tumor predisposition; Hereditary neoplastic syndrome; Hereditary Cancer Syndrome. Identifiers: Orphanet 140162, MedGen C0027672, MeSH D009386, MONDO:0015356.

Submission:

Ambry Genetics
Classification: Uncertain significance for Hereditary cancer-predisposing syndrome. Last evaluated: 2026-07-22. Review status: criteria provided, single submitter. Criteria: Ambry Variant Classification Scheme 2023. Collection method: clinical testing. Allele origin: germline.
Comment: The p.T272P variant (also known as c.814A>C), located in coding exon 7 of the MRE11A gene, results from an A to C substitution at nucleotide position 814. The threonine at codon 272 is replaced by proline, an amino acid with highly similar properties. This amino acid position is conserved. In addition, this alteration is predicted to be deleterious by in silico analysis. Based on the available evidence, the clinical significance of this variant remains unclear.

NM_005591.4(MRE11):c.814A>C (p.Thr272Pro)

Gene: MRE11 (MRE11 double strand break repair nuclease; minus strand). Cytogenetic location: 11q21.
Variant type: single nucleotide variant.
Coding change: c.814A>C on transcript NM_005591.4 (MANE Select); coding-DNA position 814, A replaced by C.
Protein change: p.Thr272Pro; replaces threonine 272 with proline.
Molecular consequence: missense variant.
Genome position (GRCh38, 1-based): chr11:94,471,605, T>G on the plus strand (A>C on the coding strand, the complement: MRE11 is on the minus strand). VCF-style: chr11-94471605-T-G. GRCh37 (hg19) VCF-style: chr11-94204771-T-G.
Other names: c.739A>C, p.Thr247Pro (NM_001440479.1, NM_001440472.1, NM_001440471.1); c.814A>C, p.Thr272Pro (NM_001440480.1, NM_001440481.1, NM_005590.4 and 18 more transcripts); c.469A>C, p.Thr157Pro (NM_001440482.1, NM_001440483.1, NM_001440484.1); c.346A>C, p.Thr116Pro (NM_001440485.1, NM_001440486.1, NM_001440487.1); short protein forms T272P, T247P, T116P, T157P.
Identifiers: ClinVar variation 5024679 (VCV005024679.1).